The following is an entry in ClinVar:

NM_004168.4(SDHA):c.942G>A (p.Glu314=)

Gene: SDHA (succinate dehydrogenase complex flavoprotein subunit A; plus strand). Cytogenetic location: 5p15.33.
Variant type: single nucleotide variant.
Coding change: c.942G>A on transcript NM_004168.4 (MANE Select); coding-DNA position 942, G replaced by A.
Protein change: p.Glu314=; no amino-acid change (glutamic acid 314 retained).
Molecular consequence: synonymous variant.
Genome position (GRCh38, 1-based): chr5:233,523, G>A. VCF-style: chr5-233523-G-A. GRCh37 (hg19) VCF-style: chr5-233638-G-A.
Other names: c.798G>A, p.Glu266= (NM_001294332.2); c.942G>A, p.Glu314= (NM_001330758.2).
Identifiers: ClinVar variation 472418 (VCV000472418.12), dbSNP rs1553998977, ClinGen allele CA442691673.

ClinVar aggregate classification (germline): Benign/Likely benign. Review status: criteria provided, multiple submitters, no conflicts (2 of 4 stars). 3 submissions from 3 submitters: Benign (1); Likely benign (2). Last evaluated 2025-05-30.

Conditions:
Pheochromocytoma/paraganglioma syndrome 5. Also called: Paragangliomas 5; SDHA-Related Hereditary Paraganglioma-Pheochromocytoma Syndrome. Identifiers: Orphanet 29072, MedGen C3279992, MONDO:0013602, OMIM 614165.
Mitochondrial complex II deficiency, nuclear type 1. Also called: SUCCINATE CoQ REDUCTASE DEFICIENCY. Identifiers: Orphanet 3208, MedGen C5700310, MONDO:0100294, OMIM 252011.
Hereditary cancer-predisposing syndrome. Also called: Neoplastic Syndromes, Hereditary; Hereditary Cancer Syndrome; Hereditary neoplastic syndrome; Tumor predisposition. Identifiers: Orphanet 140162, MedGen C0027672, MeSH D009386, MONDO:0015356.

Submissions (3):

Labcorp Genetics (formerly Invitae), Labcorp
Classification: Likely benign for Pheochromocytoma/paraganglioma syndrome 5; Mitochondrial complex II deficiency, nuclear type 1. Last evaluated: 2025-05-30. Review status: criteria provided, single submitter. Criteria: Invitae Variant Classification Sherloc (09022015). Collection method: clinical testing. Allele origin: germline.

Myriad Genetics, Inc.
Classification: Benign for Pheochromocytoma/paraganglioma syndrome 5. Last evaluated: 2025-03-04. Review status: criteria provided, single submitter. Criteria: Myriad Autosomal Dominant, Autosomal Recessive and X-Linked Classification Criteria (2023). Collection method: clinical testing. Allele origin: unknown.
Comment: This variant is considered benign. This variant is a silent/synonymous amino acid change and it is not expected to impact splicing.

Ambry Genetics
Classification: Likely benign for Hereditary cancer-predisposing syndrome. Last evaluated: 2020-01-21. Review status: criteria provided, single submitter. Criteria: Ambry Variant Classification Scheme 2023. Collection method: clinical testing. Allele origin: germline.